The following is an entry in ClinVar:

NM_006204.4(PDE6C):c.304C>G (p.Arg102Gly)

Gene: PDE6C (phosphodiesterase 6C; plus strand). Cytogenetic location: 10q23.33.
Variant type: single nucleotide variant.
Coding change: c.304C>G on transcript NM_006204.4 (MANE Select); coding-DNA position 304, C replaced by G.
Protein change: p.Arg102Gly; replaces arginine 102 with glycine.
Molecular consequence: missense variant.
Genome position (GRCh38, 1-based): chr10:93,613,029, C>G. VCF-style: chr10-93613029-C-G. GRCh37 (hg19) VCF-style: chr10-95372786-C-G.
Other names: short protein forms R102G.
Identifiers: ClinVar variation 1043901 (VCV001043901.7), dbSNP rs375795507, ClinGen allele CA5609804.

ClinVar aggregate classification (germline): Uncertain significance (1 of 4 stars; one submission).

Allele frequency attached by ClinVar (database versions not stated): ESP Exome Variant Server 0.00008; gnomAD exomes below 0.00001; TOPMed 0.00001; ExAC 0.00001.
gnomAD v4.1: 4 of 1,614,030 alleles (0.00025%); highest among the groups gnomAD compares: African/African-American, 0.0013%; no homozygotes.

Submission:

Labcorp Genetics (formerly Invitae), Labcorp
Classification: Uncertain significance. Last evaluated: 2021-01-04. Review status: criteria provided, single submitter. Criteria: Invitae Variant Classification Sherloc (09022015). Collection method: clinical testing. Allele origin: germline.
Comment: In summary, the available evidence is currently insufficient to determine the role of this variant in disease. Therefore, it has been classified as a Variant of Uncertain Significance. This variant disrupts the p.Arg102 amino acid residue in PDE6C. Other variant(s) that disrupt this residue have been observed in individuals with PDE6C-related conditions (PMID: 30080950), which suggests that this may be a clinically significant amino acid residue. Algorithms developed to predict the effect of missense changes on protein structure and function are either unavailable or do not agree on the potential impact of this missense change (SIFT: "Deleterious"; PolyPhen-2: "Probably Damaging"; Align-GVGD: "Class C0"). This variant has been observed in individual(s) with cone dystrophy (Invitae). This variant is present in population databases (rs375795507, ExAC 0.01%). This sequence change replaces arginine with glycine at codon 102 of the PDE6C protein (p.Arg102Gly). The arginine residue is highly conserved and there is a moderate physicochemical difference between arginine and glycine.

Literature cited by the submitters: PubMed 30080950.